The following is an entry in ClinVar:

ClinVar aggregate classification (germline): Likely benign (0 of 4 stars; one submission).

Conditions:
NOTCH2-related disorder. Also called: NOTCH2-related condition.

Submission:

PreventionGenetics, part of Exact Sciences
Classification: Likely benign for NOTCH2-related condition. Last evaluated: 2020-09-04. Review status: no assertion criteria provided. Collection method: clinical testing. Allele origin: germline.
Comment: This variant is classified as likely benign based on ACMG/AMP sequence variant interpretation guidelines (Richards et al. 2015 PMID: 25741868, with internal and published modifications).

NM_024408.4(NOTCH2):c.*9A>C

Gene: NOTCH2 (notch receptor 2; minus strand). Cytogenetic location: 1p12.
Variant type: single nucleotide variant.
Coding change: c.*9A>C on transcript NM_024408.4 (MANE Select); 9 bases downstream of the stop codon, A replaced by C.
Molecular consequence: 3 prime UTR variant.
Genome position (GRCh38, 1-based): chr1:119,915,297, T>G on the plus strand (A>C on the coding strand, the complement: NOTCH2 is on the minus strand). VCF-style: chr1-119915297-T-G. GRCh37 (hg19) VCF-style: chr1-120457920-T-G.
Identifiers: ClinVar variation 3032797 (VCV003032797.2), dbSNP rs2526101390, ClinGen allele CA2740090247.
Genomic context (GRCh38, chr1:119,915,297, plus strand): 5'-TGACCTTCATTTGTTCCTCAGCAGCATTTACAAAAGTCAGTTATGTCTCTACACTGGAGG[T>G]GGACTCTCTCACGCATAAACCTGCATGTTGTTGTGTGGTGGCTCAGACATGTGTGTCCCA-3'